The following is an entry in ClinVar:

ClinVar aggregate classification (germline): Pathogenic. Review status: criteria provided, multiple submitters, no conflicts (2 of 4 stars). 4 submissions from 4 submitters: Pathogenic (4). Last evaluated 2024-05-22.

Conditions:
Peutz-Jeghers syndrome (PJS). Also called: Peutz-Jeghers polyposis; Periorificial lentiginosis syndrome; POLYPOSIS, HAMARTOMATOUS INTESTINAL; POLYPS-AND-SPOTS SYNDROME. Identifiers: Orphanet 2869, MedGen C0031269, MeSH D010580, MONDO:0008280, OMIM 175200.
Hereditary cancer-predisposing syndrome. Also called: Hereditary neoplastic syndrome; Tumor predisposition; Neoplastic Syndromes, Hereditary; Hereditary Cancer Syndrome. Identifiers: Orphanet 140162, MedGen C0027672, MeSH D009386, MONDO:0015356.

Submissions (4):

Department of Pathology and Laboratory Medicine, Sinai Health System
Classification: Pathogenic for Peutz-Jeghers syndrome. Last evaluated: 2024-05-22. Review status: criteria provided, single submitter. Criteria: ACMG Guidelines, 2015. Collection method: clinical testing. Allele origin: germline. Affected: yes.

Labcorp Genetics (formerly Invitae), Labcorp
Classification: Pathogenic for Peutz-Jeghers syndrome. Last evaluated: 2022-01-28. Review status: criteria provided, single submitter. Criteria: Invitae Variant Classification Sherloc (09022015). Collection method: clinical testing. Allele origin: germline.
Comment: This sequence change falls in intron 2 of the STK11 gene. It does not directly change the encoded amino acid sequence of the STK11 protein. RNA analysis indicates that this variant induces altered splicing and may result in an absent or disrupted protein product. This variant is not present in population databases (gnomAD no frequency). This variant has been observed in individuals with clinical features of Peutz-Jeghers syndrome (PMID: 12112668, 16287113; Invitae). ClinVar contains an entry for this variant (Variation ID: 428788). Variants that disrupt the consensus splice site are a relatively common cause of aberrant splicing (PMID: 17576681, 9536098). Studies have shown that this variant alters mRNA splicing and is expected to lead to the loss of protein expression (PMID: 15608654). For these reasons, this variant has been classified as Pathogenic.

Genome-Nilou Lab
Classification: Pathogenic for Peutz-Jeghers syndrome. Last evaluated: 2021-07-15. Review status: criteria provided, single submitter. Criteria: ACMG Guidelines, 2015. Collection method: clinical testing. Allele origin: germline. Affected: no.

Ambry Genetics
Classification: Pathogenic for Hereditary cancer-predisposing syndrome. Last evaluated: 2015-02-10. Review status: criteria provided, single submitter. Criteria: Ambry Variant Classification Scheme 2023. Collection method: clinical testing. Allele origin: germline.
Comment: The c.374+1A>G intronic pathogenic mutation results from an A to G substitution one nucleotide after coding exon 2 of the STK11 gene. This mutation has been identified in multiple individuals with Peutz-Jeghers syndrome to date (Resta N, Hum. Mutat. 2002 Jul; 20(1):78-9. Aretz S, Hum. Mutat. 2005 Dec; 26(6):513-9. Mehenni H, Dig. Dis. Sci. 2007 Aug; 52(8):1924-33.). Additionally, RNA analysis has demonstrated that this alteration leads to the use of multiple downstream aberrant 3' splice sites, causing various frameshift transcripts that translationally result in alternate stop codons (Hastings ML, Nat. Struct. Mol. Biol. 2005 Jan; 12(1):54-9.). Based on the available evidence, c.374+1A>G is classified as a pathogenic mutation.

Literature cited by the submitters: PubMed 16287113 (cited by 3 submitters); PubMed 12112668 (cited by 3 submitters); PubMed 15608654 (cited by 3 submitters); PubMed 17576681 (cited by Labcorp Genetics (formerly Invitae), Labcorp); PubMed 9536098 (cited by Labcorp Genetics (formerly Invitae), Labcorp); PubMed 17404884 (cited by Ambry Genetics).

NM_000455.5(STK11):c.374+1A>G

Gene: STK11 (serine/threonine kinase 11; plus strand). Cytogenetic location: 19p13.3.
Variant type: single nucleotide variant.
Coding change: c.374+1A>G on transcript NM_000455.5 (MANE Select); the canonical splice donor site of the intron after coding-DNA position 374, A replaced by G.
Molecular consequence: splice donor variant.
Genome position (GRCh38, 1-based): chr19:1,218,501, A>G. VCF-style: chr19-1218501-A-G. GRCh37 (hg19) VCF-style: chr19-1218500-A-G.
Other names: c.374+1A>G (NM_001407255.1).
Identifiers: ClinVar variation 428788 (VCV000428788.16), dbSNP rs1131690951, ClinGen allele CA402947962.
Genomic context (GRCh38, chr19:1,218,501, plus strand): 5'-ACGGCACAAAAATGTCATCCAGCTGGTGGATGTGTTATACAACGAAGAGAAGCAGAAAAT[A>G]TATCCTTTCCGGTGTTGGGACCGCGGGGCCTCCGTGGGAGGGGCTGGGGCCCTGGGTCCG-3'